The following is an entry in ClinVar:

NM_014795.4(ZEB2):c.3575A>C (p.Asp1192Ala)

Gene: ZEB2 (zinc finger E-box binding homeobox 2; minus strand). Cytogenetic location: 2q22.3.
Variant type: single nucleotide variant.
Coding change: c.3575A>C on transcript NM_014795.4 (MANE Select); coding-DNA position 3575, A replaced by C.
Protein change: p.Asp1192Ala; replaces aspartic acid 1192 with alanine.
Molecular consequence: missense variant.
Genome position (GRCh38, 1-based): chr2:144,389,521, T>G on the plus strand (A>C on the coding strand, the complement: ZEB2 is on the minus strand). VCF-style: chr2-144389521-T-G. GRCh37 (hg19) VCF-style: chr2-145147088-T-G.
Other names: c.3503A>C, p.Asp1168Ala (NM_001171653.2); short protein forms D1192A, D1168A.
Identifiers: ClinVar variation 534636 (VCV000534636.8), dbSNP rs752093966, ClinGen allele CA1898101.

ClinVar aggregate classification (germline): Uncertain significance (1 of 4 stars; one submission).

Conditions:
Mowat-Wilson syndrome (MOWS). Also called: Classic Mowat-Wilson Syndrome. Identifiers: Orphanet 2152, MedGen C1856113, MONDO:0009341, OMIM 235730.

Allele frequency attached by ClinVar (database versions not stated): gnomAD exomes below 0.00001.
gnomAD v4.1: 4 of 1,614,170 alleles (0.00025%); highest among the groups gnomAD compares: Non-Finnish European, 0.00034%; no homozygotes.

Submission:

Labcorp Genetics (formerly Invitae), Labcorp
Classification: Uncertain significance for Mowat-Wilson syndrome. Last evaluated: 2021-05-14. Review status: criteria provided, single submitter. Criteria: Invitae Variant Classification Sherloc (09022015). Collection method: clinical testing. Allele origin: germline.
Comment: In summary, the available evidence is currently insufficient to determine the role of this variant in disease. Therefore, it has been classified as a Variant of Uncertain Significance. Algorithms developed to predict the effect of missense changes on protein structure and function (SIFT, PolyPhen-2, Align-GVGD) all suggest that this variant is likely to be tolerated, but these predictions have not been confirmed by published functional studies and their clinical significance is uncertain. This variant has not been reported in the literature in individuals with ZEB2-related disease. This variant is present in population databases (rs752093966, ExAC 0.001%). This sequence change replaces aspartic acid with alanine at codon 1192 of the ZEB2 protein (p.Asp1192Ala). The aspartic acid residue is moderately conserved and there is a moderate physicochemical difference between aspartic acid and alanine.